The following is an entry in ClinVar:

ClinVar aggregate classification (germline): Likely benign (0 of 4 stars; one submission).

Conditions:
DISC1-related disorder. Also called: DISC1-related condition.

Allele frequency attached by ClinVar (database versions not stated): gnomAD 0.00010; TOPMed 0.00014; ExAC 0.00016; ESP Exome Variant Server 0.00017; gnomAD exomes 0.00023.
gnomAD v4.1: 348 of 1,613,302 alleles (0.022%); highest among the groups gnomAD compares: Non-Finnish European, 0.027%; no homozygotes.

Submission:

PreventionGenetics, part of Exact Sciences
Classification: Likely benign for DISC1-related condition. Last evaluated: 2019-06-12. Review status: no assertion criteria provided. Collection method: clinical testing. Allele origin: germline.
Comment: This variant is classified as likely benign based on ACMG/AMP sequence variant interpretation guidelines (Richards et al. 2015 PMID: 25741868, with internal and published modifications).

NM_018662.3(DISC1):c.1982-9T>C

Genes: DISC1 (DISC1 scaffold protein; plus strand), TSNAX-DISC1 (TSNAX-DISC1 readthrough (NMD candidate); plus strand). Cytogenetic location: 1q42.2.
Variant type: single nucleotide variant.
Coding change: c.1982-9T>C on transcript NM_018662.3 (MANE Select); 9 bases into the intron before coding-DNA position 1982, T replaced by C.
Molecular consequence: intron variant.
Genome position (GRCh38, 1-based): chr1:231,958,819, T>C. VCF-style: chr1-231958819-T-C. GRCh37 (hg19) VCF-style: chr1-232094565-T-C.
Other names: c.2078-9T>C (NM_001164537.2); c.1982-9T>C (NM_001012957.2, NM_001164538.2, NM_001164542.2); c.1616-9T>C (NM_001164540.2); c.1982-49966T>C (NM_001164541.2); c.1635-9T>C (NM_001164547.2, NM_001164546.2).
Identifiers: ClinVar variation 3033532 (VCV003033532.2), dbSNP rs80264087, ClinGen allele CA1454151.
Genomic context (GRCh38, chr1:231,958,819, plus strand): 5'-TAGTTGAATGGTTTTTATTCAATTGTGACTGCAGTTGCATTAACTTTGGATTTCCTTTTT[T>C]TCCCCCAGAAACAAGTGTGAAGGAAAATACTATGAAGTACATGGAAACACTTAAGAATAA-3'